The following is an entry in ClinVar:

ClinVar aggregate classification (germline): Likely benign. Review status: criteria provided, multiple submitters, no conflicts (2 of 4 stars). 3 submissions from 3 submitters: Likely benign (3). Last evaluated 2025-10-14.

Conditions:
SCLT1-related disorder. Also called: SCLT1-related condition.

Allele frequency attached by ClinVar (database versions not stated): TOPMed 0.00006; gnomAD exomes 0.00011 and 0.00024; ESP Exome Variant Server 0.00015; gnomAD 0.00021; ExAC 0.00028.
gnomAD v4.1: 189 of 1,581,812 alleles (0.012%); highest among the groups gnomAD compares: Non-Finnish European, 0.006%; no homozygotes.

Submissions (3):

Labcorp Genetics (formerly Invitae), Labcorp
Classification: Likely benign. Last evaluated: 2025-10-14. Review status: criteria provided, single submitter. Criteria: Invitae Variant Classification Sherloc (09022015). Collection method: clinical testing. Allele origin: germline.

PreventionGenetics, part of Exact Sciences
Classification: Likely benign for SCLT1-related condition. Last evaluated: 2025-02-27. Review status: criteria provided, single submitter. Criteria: ACMG Guidelines, 2015. Collection method: clinical testing. Allele origin: germline.
Comment: This variant is classified as likely benign based on ACMG/AMP sequence variant interpretation guidelines (Richards et al. 2015 PMID: 25741868, with internal and published modifications).

Blueprint Genetics
Classification: Likely benign. Last evaluated: 2024-02-15. Review status: criteria provided, single submitter. Criteria: ACMG Guidelines, 2015. Collection method: clinical testing. Allele origin: germline.

NM_144643.4(SCLT1):c.2065T>C (p.Ter689Gln)

Gene: SCLT1 (sodium channel and clathrin linker 1; minus strand). Cytogenetic location: 4q28.2.
Variant type: single nucleotide variant.
Coding change: c.2065T>C on transcript NM_144643.4 (MANE Select); coding-DNA position 2065, T replaced by C.
Protein change: p.Ter689Gln.
Molecular consequence: stop lost.
Genome position (GRCh38, 1-based): chr4:128,884,479, A>G on the plus strand (T>C on the coding strand, the complement: SCLT1 is on the minus strand). VCF-style: chr4-128884479-A-G. GRCh37 (hg19) VCF-style: chr4-129805634-A-G.
Other names: c.2065T>C (NM_144643.3).
Identifiers: ClinVar variation 1460719 (VCV001460719.10), dbSNP rs142473295, ClinGen allele CA3079430.